The following is an entry in ClinVar:

NM_001287.6(CLCN7):c.1978G>A (p.Gly660Ser)

Gene: CLCN7 (chloride voltage-gated channel 7; minus strand). Cytogenetic location: 16p13.3.
Variant type: single nucleotide variant.
Coding change: c.1978G>A on transcript NM_001287.6 (MANE Select); coding-DNA position 1978, G replaced by A.
Protein change: p.Gly660Ser; replaces glycine 660 with serine.
Molecular consequence: missense variant.
Genome position (GRCh38, 1-based): chr16:1,448,390, C>T on the plus strand (G>A on the coding strand, the complement: CLCN7 is on the minus strand). VCF-style: chr16-1448390-C-T. GRCh37 (hg19) VCF-style: chr16-1498391-C-T.
Other names: c.1906G>A, p.Gly636Ser (NM_001114331.3); short protein forms G636S, G660S.
Identifiers: ClinVar variation 2992663 (VCV002992663.3), dbSNP rs377646655, ClinGen allele CA7809965.

ClinVar aggregate classification (germline): Uncertain significance (1 of 4 stars; one submission).

Allele frequency attached by ClinVar (database versions not stated): gnomAD exomes 0.00001; ExAC 0.00002; TOPMed 0.00003; gnomAD 0.00004; ESP Exome Variant Server 0.00008.
gnomAD v4.1: 24 of 1,612,626 alleles (0.0015%); highest among the groups gnomAD compares: South Asian, 0.0066%; no homozygotes.

Submission:

Labcorp Genetics (formerly Invitae), Labcorp
Classification: Uncertain significance. Last evaluated: 2023-07-26. Review status: criteria provided, single submitter. Criteria: Invitae Variant Classification Sherloc (09022015). Collection method: clinical testing. Allele origin: germline.
Comment: In summary, the available evidence is currently insufficient to determine the role of this variant in disease. Therefore, it has been classified as a Variant of Uncertain Significance. An algorithm developed to predict the effect of missense changes on protein structure and function (PolyPhen-2) suggests that this variant is likely to be disruptive. This variant has not been reported in the literature in individuals affected with CLCN7-related conditions. This variant is present in population databases (rs377646655, gnomAD 0.007%). This sequence change replaces glycine, which is neutral and non-polar, with serine, which is neutral and polar, at codon 660 of the CLCN7 protein (p.Gly660Ser).